The following is an entry in ClinVar:

ClinVar aggregate classification (germline): Uncertain significance. Review status: criteria provided, multiple submitters, no conflicts (2 of 4 stars). 2 submissions from 2 submitters: Uncertain significance (2). Last evaluated 2025-12-09.

Conditions:
JAG2-related disorder. Also called: JAG2-related condition.

gnomAD v4.1: 53 of 1,605,410 alleles (0.0033%); highest among the groups gnomAD compares: Non-Finnish European, 0.0043%; 1 homozygote.

Submissions (2):

Ambry Genetics
Classification: Uncertain significance. Last evaluated: 2025-12-09. Review status: criteria provided, single submitter. Criteria: Ambry Variant Classification Scheme 2023. Collection method: clinical testing. Allele origin: germline.

PreventionGenetics, part of Exact Sciences
Classification: Uncertain significance for JAG2-related condition. Last evaluated: 2025-09-12. Review status: criteria provided, single submitter. Criteria: ACMG Guidelines, 2015. Collection method: clinical testing. Allele origin: germline.
Comment: The JAG2 c.3047G>A variant is predicted to result in the amino acid substitution p.Arg1016Gln. To our knowledge, this variant has not been reported in the literature. This variant is reported in 0.0050% of alleles in individuals of European (Finnish) descent in gnomAD. At this time, the clinical significance of this variant is uncertain due to the absence of conclusive functional and genetic evidence.

NM_002226.5(JAG2):c.3047G>A (p.Arg1016Gln)

Gene: JAG2 (jagged canonical Notch ligand 2; minus strand). Cytogenetic location: 14q32.33.
Variant type: single nucleotide variant.
Coding change: c.3047G>A on transcript NM_002226.5 (MANE Select); coding-DNA position 3047, G replaced by A.
Protein change: p.Arg1016Gln; replaces arginine 1016 with glutamine.
Molecular consequence: missense variant.
Genome position (GRCh38, 1-based): chr14:105,144,967, C>T on the plus strand (G>A on the coding strand, the complement: JAG2 is on the minus strand). VCF-style: chr14-105144967-C-T. GRCh37 (hg19) VCF-style: chr14-105611304-C-T.
Other names: c.3047G>A (NM_002226.4); c.2933G>A, p.Arg978Gln (NM_145159.3); short protein forms R978Q, R1016Q.
Identifiers: ClinVar variation 4680362 (VCV004680362.2).